The following is an entry in ClinVar:

ClinVar aggregate classification (germline): Uncertain significance (1 of 4 stars; one submission).

gnomAD v4.1: 1 of 1,614,122 alleles (0.000062%); highest among the groups gnomAD compares: Non-Finnish European, 0.000085%; no homozygotes.

Submission:

Ambry Genetics
Classification: Uncertain significance. Last evaluated: 2025-08-13. Review status: criteria provided, single submitter. Criteria: Ambry Variant Classification Scheme 2023. Collection method: clinical testing. Allele origin: germline.
Comment: The p.F588L variant (also known as c.1762T>C), located in coding exon 18 of the KIF1B gene, results from a T to C substitution at nucleotide position 1762. The phenylalanine at codon 588 is replaced by leucine, an amino acid with highly similar properties. This amino acid position is conserved. In addition, this alteration is predicted to be deleterious by in silico analysis. Based on the available evidence, the clinical significance of this variant remains unclear.

NM_001365951.3(KIF1B):c.1900T>C (p.Phe634Leu)

Gene: KIF1B (kinesin family member 1B; plus strand). Cytogenetic location: 1p36.22.
Variant type: single nucleotide variant.
Coding change: c.1900T>C on transcript NM_001365951.3 (MANE Select); coding-DNA position 1900, T replaced by C.
Protein change: p.Phe634Leu; replaces phenylalanine 634 with leucine.
Molecular consequence: missense variant.
Genome position (GRCh38, 1-based): chr1:10,296,935, T>C. VCF-style: chr1-10296935-T-C. GRCh37 (hg19) VCF-style: chr1-10356993-T-C.
Other names: c.1900T>C, p.Phe634Leu (NM_001365952.1); c.1762T>C, p.Phe588Leu (NM_001365953.1, NM_015074.3, NM_183416.4); short protein forms F588L, F634L.
Identifiers: ClinVar variation 4092366 (VCV004092366.1).